The following is an entry in ClinVar:

ClinVar aggregate classification (germline): Conflicting classifications of pathogenicity. Review status: criteria provided, conflicting classifications (1 of 4 stars). 3 submissions from 3 submitters: Uncertain significance (2); Likely benign (1). Last evaluated 2025-02-22.

Conditions:
Hereditary cancer-predisposing syndrome. Also called: Hereditary Cancer Syndrome; Hereditary neoplastic syndrome; Neoplastic Syndromes, Hereditary; Tumor predisposition. Identifiers: Orphanet 140162, MedGen C0027672, MeSH D009386, MONDO:0015356.
Hereditary breast ovarian cancer syndrome. Also called: Hereditary breast and/or ovarian cancer syndrome; Breast and ovarian cancer; BRCA1- and BRCA2-Associated Hereditary Breast and Ovarian Cancer; Hereditary breast and ovarian cancer syndrome; Hereditary breast and ovarian cancer syndrome (HBOC); Hereditary breast and ovarian cancer. Identifiers: Orphanet 145, MedGen C0677776, MeSH D061325, MONDO:0003582. Disease mechanism: loss of function.

Submissions (3):

Ambry Genetics
Classification: Uncertain significance for Hereditary cancer-predisposing syndrome. Last evaluated: 2025-02-22. Review status: criteria provided, single submitter. Criteria: Ambry Variant Classification Scheme 2023. Collection method: clinical testing. Allele origin: germline.
Comment: The p.A1843T variant (also known as c.5527G>A), located in coding exon 10 of the BRCA2 gene, results from a G to A substitution at nucleotide position 5527. The alanine at codon 1843 is replaced by threonine, an amino acid with similar properties. This amino acid position is poorly conserved in available vertebrate species. In addition, the in silico prediction for this alteration is inconclusive. Based on the available evidence, the clinical significance of this variant remains unclear.

University of Washington Department of Laboratory Medicine, University of Washington
Classification: Likely benign for Hereditary cancer-predisposing syndrome. Last evaluated: 2023-03-23. Review status: criteria provided, single submitter. Criteria: Dines et al. (Genet Med. 2020). Collection method: curation. Allele origin: germline.
Comment: Missense variant in a coldspot region where missense variants are very unlikely to be pathogenic (PMID:31911673).

BRCA2 exon 11 coldspot. Reclassification based on statistical prior probability.

Labcorp Genetics (formerly Invitae), Labcorp
Classification: Uncertain significance for Hereditary breast ovarian cancer syndrome. Last evaluated: 2015-04-28. Review status: criteria provided, single submitter. Criteria: Invitae Variant Classification Sherloc (09022015). Collection method: clinical testing. Allele origin: germline.
Comment: In summary, this is a novel missense change that is not predicted to affect protein function or cause disease. However the evidence is insufficient at this time to prove that conclusively. It has been classified as a Variant of Uncertain Significance. The threonine amino acid residue is found in multiple mammalian species, suggesting that this missense change does not adversely affect protein function. In addition, algorithms developed to predict the effect of missense changes on protein structure and function (SIFT, PolyPhen-2, Align-GVGD) all suggest that this variant is likely to be tolerated, but these predictions have not been confirmed by published functional studies. This sequence change replaces alanine with threonine at codon 1843 of the BRCA2 protein (p.Ala1843Thr). The alanine residue is weakly conserved and there is a small physicochemical difference between alanine and threonine. This variant has not been published in the literature and is not present in population databases.

NM_000059.4(BRCA2):c.5527G>A (p.Ala1843Thr)

Gene: BRCA2 (BRCA2 DNA repair associated; plus strand). Cytogenetic location: 13q13.1.
Variant type: single nucleotide variant.
Coding change: c.5527G>A on transcript NM_000059.4 (MANE Select); coding-DNA position 5527, G replaced by A.
Protein change: p.Ala1843Thr; replaces alanine 1843 with threonine.
Molecular consequence: missense variant.
Genome position (GRCh38, 1-based): chr13:32,339,882, G>A. VCF-style: chr13-32339882-G-A. GRCh37 (hg19) VCF-style: chr13-32914019-G-A.
Other names: short protein forms A1843T.
Identifiers: ClinVar variation 216251 (VCV000216251.10), dbSNP rs863224594, ClinGen allele CA337669.